The following is an entry in ClinVar:

NM_025207.5(FLAD1):c.1619A>G (p.Tyr540Cys)

Gene: FLAD1 (flavin adenine dinucleotide synthetase 1; plus strand). Cytogenetic location: 1q21.3.
Variant type: single nucleotide variant.
Coding change: c.1619A>G on transcript NM_025207.5 (MANE Select); coding-DNA position 1619, A replaced by G.
Protein change: p.Tyr540Cys; replaces tyrosine 540 with cysteine.
Molecular consequence: missense variant.
Genome position (GRCh38, 1-based): chr1:154,992,777, A>G. VCF-style: chr1-154992777-A-G. GRCh37 (hg19) VCF-style: chr1-154965253-A-G.
Other names: c.1328A>G, p.Tyr443Cys (NM_001184891.2, NM_201398.3); short protein forms Y443C, Y540C.
Identifiers: ClinVar variation 3370191 (VCV003370191.1).

ClinVar aggregate classification (germline): Uncertain significance (1 of 4 stars; one submission).

gnomAD v4.1: 12 of 1,614,070 alleles (0.00074%); highest among the groups gnomAD compares: Non-Finnish European, 0.00093%; no homozygotes.

Submission:

GeneDx
Classification: Uncertain significance. Last evaluated: 2023-12-28. Review status: criteria provided, single submitter. Criteria: GeneDx Variant Classification Process June 2021. Collection method: clinical testing. Allele origin: germline. Affected: yes.
Comment: Not observed at significant frequency in large population cohorts (gnomAD); In silico analysis supports that this missense variant has a deleterious effect on protein structure/function; Has not been previously published as pathogenic or benign to our knowledge